The following is an entry in ClinVar:

ClinVar aggregate classification (germline): Likely benign (1 of 4 stars; one submission).

Submission:

CeGaT Center for Human Genetics Tuebingen
Classification: Likely benign. Last evaluated: 2024-12-01. Review status: criteria provided, single submitter. Criteria: CeGaT Center For Human Genetics Tuebingen Variant Classification Criteria Version 2. Collection method: clinical testing. Allele origin: germline. Affected: yes. Observed: 1 variant allele.
Comment: RAB3GAP2: PM2:Supporting, BP4, BP7

NM_012414.4(RAB3GAP2):c.1482C>T (p.His494=)

Gene: RAB3GAP2 (RAB3 GTPase activating non-catalytic protein subunit 2; minus strand). Cytogenetic location: 1q41.
Variant type: single nucleotide variant.
Coding change: c.1482C>T on transcript NM_012414.4 (MANE Select); coding-DNA position 1482, C replaced by T.
Protein change: p.His494=; no amino-acid change (histidine 494 retained).
Molecular consequence: synonymous variant.
Genome position (GRCh38, 1-based): chr1:220,191,073, G>A on the plus strand (C>T on the coding strand, the complement: RAB3GAP2 is on the minus strand). VCF-style: chr1-220191073-G-A. GRCh37 (hg19) VCF-style: chr1-220364415-G-A.
Identifiers: ClinVar variation 3771461 (VCV003771461.13).